The following is an entry in ClinVar:

NM_001035.3(RYR2):c.3812C>T (p.Thr1271Ile)

Genes: RYR2 (ryanodine receptor 2; plus strand), LOC126806067 (BRD4-independent group 4 enhancer GRCh37_chr1:237753258-237754457; plus strand). Cytogenetic location: 1q43.
Variant type: single nucleotide variant.
Coding change: c.3812C>T on transcript NM_001035.3 (MANE Select); coding-DNA position 3812, C replaced by T.
Protein change: p.Thr1271Ile; replaces threonine 1271 with isoleucine.
Molecular consequence: missense variant.
Genome position (GRCh38, 1-based): chr1:237,590,644, C>T. VCF-style: chr1-237590644-C-T. GRCh37 (hg19) VCF-style: chr1-237753944-C-T.
Other names: short protein forms T1271I.
Identifiers: ClinVar variation 2801657 (VCV002801657.3), dbSNP rs2546613174, ClinGen allele CA345397131.
Genomic context (GRCh38, chr1:237,590,644, plus strand): 5'-ATCAGGAAATTGACAATGGTGATTGGAATGTGAACTATCGCTTCTTCGTTTGCTAGGTGA[C>T]CAGAATAGACGGCACCATAGACAGTTCCCCATGTTTAAAGGTCACTCAGAAGTCTTTTGG-3'
Protein context (NP_001026.2, residues 1261-1281): VPSNHEHIEV[Thr1271Ile]RIDGTIDSSP

ClinVar aggregate classification (germline): Uncertain significance (1 of 4 stars; one submission).

Conditions:
Catecholaminergic polymorphic ventricular tachycardia 1. Also called: VENTRICULAR TACHYCARDIA, STRESS-INDUCED POLYMORPHIC 1; VENTRICULAR TACHYCARDIA, CATECHOLAMINERGIC POLYMORPHIC, 1, WITH OR WITHOUT ATRIAL DYSFUNCTION AND/OR DILATED CARDIOMYOPATHY; RYR2-Related Catecholaminergic Polymorphic Ventricular Tachycardia. Identifiers: Orphanet 3286, MedGen C1631597, MONDO:0011484, OMIM 604772.

Submission:

Labcorp Genetics (formerly Invitae), Labcorp
Classification: Uncertain significance for Catecholaminergic polymorphic ventricular tachycardia 1. Last evaluated: 2023-02-18. Review status: criteria provided, single submitter. Criteria: Invitae Variant Classification Sherloc (09022015). Collection method: clinical testing. Allele origin: germline.
Comment: In summary, the available evidence is currently insufficient to determine the role of this variant in disease. Therefore, it has been classified as a Variant of Uncertain Significance. Advanced modeling of protein sequence and biophysical properties (such as structural, functional, and spatial information, amino acid conservation, physicochemical variation, residue mobility, and thermodynamic stability) performed at Invitae indicates that this missense variant is not expected to disrupt RYR2 protein function. This variant has not been reported in the literature in individuals affected with RYR2-related conditions. This variant is not present in population databases (gnomAD no frequency). This sequence change replaces threonine, which is neutral and polar, with isoleucine, which is neutral and non-polar, at codon 1271 of the RYR2 protein (p.Thr1271Ile).